The following is an entry in ClinVar:

NM_002439.5(MSH3):c.1996G>C (p.Asp666His)

Gene: MSH3 (mutS homolog 3; plus strand). Cytogenetic location: 5q14.1.
Variant type: single nucleotide variant.
Coding change: c.1996G>C on transcript NM_002439.5 (MANE Select); coding-DNA position 1996, G replaced by C.
Protein change: p.Asp666His; replaces aspartic acid 666 with histidine.
Molecular consequence: missense variant.
Genome position (GRCh38, 1-based): chr5:80,768,032, G>C. VCF-style: chr5-80768032-G-C. GRCh37 (hg19) VCF-style: chr5-80063851-G-C.
Other names: short protein forms D666H.
Identifiers: ClinVar variation 852394 (VCV000852394.13), dbSNP rs759657866, ClinGen allele CA360277685.

ClinVar aggregate classification (germline): Uncertain significance. Review status: criteria provided, multiple submitters, no conflicts (2 of 4 stars). 2 submissions from 2 submitters: Uncertain significance (2). Last evaluated 2025-08-30.

Conditions:
Hereditary cancer-predisposing syndrome. Also called: Neoplastic Syndromes, Hereditary; Hereditary Cancer Syndrome; Tumor predisposition; Hereditary neoplastic syndrome. Identifiers: Orphanet 140162, MedGen C0027672, MeSH D009386, MONDO:0015356.

Submissions (2):

Ambry Genetics
Classification: Uncertain significance for Hereditary cancer-predisposing syndrome. Last evaluated: 2025-08-30. Review status: criteria provided, single submitter. Criteria: Ambry Variant Classification Scheme 2023. Collection method: clinical testing. Allele origin: germline.
Comment: The p.D666H variant (also known as c.1996G>C), located in coding exon 14 of the MSH3 gene, results from a G to C substitution at nucleotide position 1996. The aspartic acid at codon 666 is replaced by histidine, an amino acid with similar properties. This amino acid position is conserved. In addition, this alteration is predicted to be tolerated by in silico analysis. Since supporting evidence is limited at this time, the clinical significance of this alteration remains unclear.

Labcorp Genetics (formerly Invitae), Labcorp
Classification: Uncertain significance. Last evaluated: 2023-08-27. Review status: criteria provided, single submitter. Criteria: Invitae Variant Classification Sherloc (09022015). Collection method: clinical testing. Allele origin: germline.
Comment: In summary, the available evidence is currently insufficient to determine the role of this variant in disease. Therefore, it has been classified as a Variant of Uncertain Significance. An algorithm developed to predict the effect of missense changes on protein structure and function (PolyPhen-2) suggests that this variant is likely to be tolerated. ClinVar contains an entry for this variant (Variation ID: 852394). This variant has not been reported in the literature in individuals affected with MSH3-related conditions. This variant is not present in population databases (gnomAD no frequency). This sequence change replaces aspartic acid, which is acidic and polar, with histidine, which is basic and polar, at codon 666 of the MSH3 protein (p.Asp666His).